The following is an entry in ClinVar:

NM_001367624.2(ZNF469):c.6339C>T (p.Cys2113=)

Gene: ZNF469 (zinc finger protein 469; plus strand). Cytogenetic location: 16q24.2.
Variant type: single nucleotide variant.
Coding change: c.6339C>T on transcript NM_001367624.2 (MANE Select); coding-DNA position 6339, C replaced by T.
Protein change: p.Cys2113=; no amino-acid change (cysteine 2113 retained).
Molecular consequence: synonymous variant.
Genome position (GRCh38, 1-based): chr16:88,433,809, C>T. VCF-style: chr16-88433809-C-T. GRCh37 (hg19) VCF-style: chr16-88500217-C-T.
Other names: NM_001127464.1:c.6255C>T.
Identifiers: ClinVar variation 1329757 (VCV001329757.7), dbSNP rs1216529310, ClinGen allele CA497356082.

ClinVar aggregate classification (germline): Likely benign. Review status: criteria provided, multiple submitters, no conflicts (2 of 4 stars). 3 submissions from 3 submitters: Likely benign (3). Last evaluated 2025-12-29.

Conditions:
Cardiovascular phenotype. Identifiers: MedGen CN230736.

Allele frequency attached by ClinVar (database versions not stated): gnomAD 0.00001; gnomAD exomes 0.00001; TOPMed 0.00003.
gnomAD v4.1: 51 of 1,549,644 alleles (0.0033%); highest among the groups gnomAD compares: Non-Finnish European, 0.0041%; no homozygotes.

Submissions (3):

Labcorp Genetics (formerly Invitae), Labcorp
Classification: Likely benign. Last evaluated: 2025-12-29. Review status: criteria provided, single submitter. Criteria: Invitae Variant Classification Sherloc (09022015). Collection method: clinical testing. Allele origin: germline.

GeneDx
Classification: Likely benign. Last evaluated: 2021-06-23. Review status: criteria provided, single submitter. Criteria: GeneDx Variant Classification Process June 2021. Collection method: clinical testing. Allele origin: germline. Affected: yes.
Comment: This variant is associated with the following publications: (PMID: 27535533)

Ambry Genetics
Classification: Likely benign for Cardiovascular phenotype. Last evaluated: 2019-08-19. Review status: criteria provided, single submitter. Criteria: Ambry Variant Classification Scheme 2023. Collection method: clinical testing. Allele origin: germline.